The following is an entry in ClinVar:

ClinVar aggregate classification (germline): Pathogenic (1 of 4 stars; one submission).

Conditions:
Nemaline myopathy 2 (NEM2). Also called: Nemaline myopathy 2, autosomal recessive. Identifiers: MedGen C1850569, MONDO:0009725, OMIM 256030.

Submission:

Myriad Genetics, Inc.
Classification: Pathogenic for Nemaline myopathy 2. Last evaluated: 2025-02-26. Review status: criteria provided, single submitter. Criteria: Myriad Autosomal Dominant, Autosomal Recessive and X-Linked Classification Criteria (2023). Collection method: clinical testing. Allele origin: unknown.
Comment: NM_001271208.1(NEB):c.22804C>T(Q7602*) is expected to be pathogenic in the context of NEB-related nemaline myopathy. This variant is predicted to lead to an abnormal or absent protein product due to the creation of a premature termination codon in NEB, a gene where loss-of-function variants are known to be pathogenic. Please note: this variant was assessed in the context of healthy population screening.

NM_001164508.2(NEB):c.22699C>T (p.Gln7567Ter)

Genes: NEB (nebulin; minus strand), RIF1 (replication timing regulatory factor 1; plus strand). Cytogenetic location: 2q23.3.
Variant type: single nucleotide variant.
Coding change: c.22699C>T on transcript NM_001164508.2 (MANE Select); coding-DNA position 22699, C replaced by T.
Protein change: p.Gln7567Ter; replaces glutamine 7567 with a stop codon.
Molecular consequence: nonsense.
Genome position (GRCh38, 1-based): chr2:151,518,419, G>A on the plus strand (C>T on the coding strand, the complement: NEB is on the minus strand). VCF-style: chr2-151518419-G-A. GRCh37 (hg19) VCF-style: chr2-152374933-G-A.
Other names: c.22699C>T, p.Gln7567Ter (NM_001164507.2); c.22804C>T, p.Gln7602Ter (NM_001271208.2); c.17596C>T, p.Gln5866Ter (NM_004543.5); short protein forms Q5866*, Q7567*, Q7602*.
Identifiers: ClinVar variation 5014133 (VCV005014133.1).
Genomic context (GRCh38, chr2:151,518,419, plus strand): 5'-CCAGATTATCGGGTATGGTGTGGTAGTGGCCTTTACTCTTCTCATACTTCTTCTTGTACT[G>A]GTACTGAGGGGAAGGCGGCAAAAAAGGCACATTGATGGAGAAGCTGCTCAGCATTCCTAT-3'